The following is an entry in ClinVar:

NM_174936.4(PCSK9):c.188C>A (p.Thr63Asn)

Gene: PCSK9 (proprotein convertase subtilisin/kexin type 9; plus strand). Cytogenetic location: 1p32.3.
Variant type: single nucleotide variant.
Coding change: c.188C>A on transcript NM_174936.4 (MANE Select); coding-DNA position 188, C replaced by A.
Protein change: p.Thr63Asn; replaces threonine 63 with asparagine.
Molecular consequence: missense variant. On other transcripts: 5 prime UTR variant (1), non-coding transcript variant (8).
Genome position (GRCh38, 1-based): chr1:55,040,025, C>A. VCF-style: chr1-55040025-C-A. GRCh37 (hg19) VCF-style: chr1-55505698-C-A.
Other names: c.188C>A, p.Thr63Asn (NM_001407240.1, NM_001407241.1, NM_001407242.1 and 4 more transcripts); c.-547C>A (NM_001407246.1); short protein forms T63N.
Identifiers: ClinVar variation 3072911 (VCV003072911.1), dbSNP rs867904088, ClinGen allele CA22792245.

ClinVar aggregate classification (germline): Uncertain significance (1 of 4 stars; one submission).

Conditions:
Hypercholesterolemia, autosomal dominant, 3 (FHCL3). Also called: Familial Hypercholesterolemia, Autosomal Dominant, 3; PCSK9-Related Familial Hypercholesterolemia, Autosomal Dominant; Familial hypercholesterolemia 3. Identifiers: MedGen C1863551, MONDO:0011369, OMIM 603776.

Allele frequency attached by ClinVar (database versions not stated): gnomAD exomes below 0.00001.
gnomAD v4.1: 1 of 1,571,598 alleles (0.000064%); highest among the groups gnomAD compares: African/African-American, 0.0013%; no homozygotes.

Submission:

All of Us Research Program, National Institutes of Health
Classification: Uncertain significance for Hypercholesterolemia, autosomal dominant, 3. Last evaluated: 2023-08-15. Review status: criteria provided, single submitter. Criteria: ACMG Guidelines, 2015. Collection method: clinical testing. Allele origin: germline. Inheritance: Autosomal dominant inheritance. Observed: 1 variant allele, 1 heterozygote.
Comment: This missense variant replaces threonine with asparagine at codon 63 of the PCSK9 protein. Computational prediction suggests that this variant may not impact protein structure and function (internally defined REVEL score threshold <= 0.5, PMID: 27666373). To our knowledge, functional studies have not been reported for this variant. This variant has not been reported in individuals affected with PCSK9-related disorders in the literature. This variant has not been identified in the general population by the Genome Aggregation Database (gnomAD). The available evidence is insufficient to determine the role of this variant in disease conclusively. Therefore, this variant is classified as a Variant of Uncertain Significance.

This study involves interpretation of variants in research participants for the purpose of population health screening. Participant phenotype was not available at the time of variant classification. Additional details can be found in publication PMID: 35346344, PMCID: PMC8962531